The following is an entry in ClinVar:

ClinVar aggregate classification (germline): Conflicting classifications of pathogenicity. Review status: criteria provided, conflicting classifications (1 of 4 stars). 6 submissions from 6 submitters: Uncertain significance (3); Likely benign (2). 1 of the submissions does not count toward it. Last evaluated 2024-12-30.

Conditions:
Hereditary breast ovarian cancer syndrome. Also called: Hereditary breast and ovarian cancer syndrome; Hereditary breast and ovarian cancer; Hereditary breast and ovarian cancer syndrome (HBOC); Breast and ovarian cancer; Hereditary breast and/or ovarian cancer syndrome; BRCA1- and BRCA2-Associated Hereditary Breast and Ovarian Cancer. Identifiers: Orphanet 145, MedGen C0677776, MeSH D061325, MONDO:0003582. Disease mechanism: loss of function.
Breast-ovarian cancer, familial, susceptibility to, 2 (BROVCA2). Also called: BRCA2 Hereditary Breast and Ovarian Cancer. Identifiers: Orphanet 145, MedGen C2675520, MONDO:0012933, OMIM 612555. Disease mechanism: loss of function.
Hereditary cancer-predisposing syndrome. Also called: Neoplastic Syndromes, Hereditary; Tumor predisposition; Hereditary Cancer Syndrome; Hereditary neoplastic syndrome. Identifiers: Orphanet 140162, MedGen C0027672, MeSH D009386, MONDO:0015356.

Allele frequency attached by ClinVar (database versions not stated): gnomAD exomes below 0.00001; ExAC 0.00001.
gnomAD v4.1: 2 of 1,611,830 alleles (0.00012%); highest among the groups gnomAD compares: African/African-American, 0.0013%; no homozygotes.

Submissions (6):

Ambry Genetics
Classification: Likely benign for Hereditary cancer-predisposing syndrome. Last evaluated: 2024-12-30. Review status: criteria provided, single submitter. Criteria: Ambry Variant Classification Scheme 2023. Collection method: clinical testing. Allele origin: germline.

Labcorp Genetics (formerly Invitae), Labcorp
Classification: Uncertain significance for Hereditary breast ovarian cancer syndrome. Last evaluated: 2024-06-10. Review status: criteria provided, single submitter. Criteria: Invitae Variant Classification Sherloc (09022015). Collection method: clinical testing. Allele origin: germline.
Comment: This sequence change replaces lysine, which is basic and polar, with glutamic acid, which is acidic and polar, at codon 345 of the BRCA2 protein (p.Lys345Glu). This variant is present in population databases (rs80358406, gnomAD 0.0009%). This missense change has been observed in individual(s) with breast cancer (PMID: 20104584, 30287823). ClinVar contains an entry for this variant (Variation ID: 51059). Advanced modeling of protein sequence and biophysical properties (such as structural, functional, and spatial information, amino acid conservation, physicochemical variation, residue mobility, and thermodynamic stability) performed at Invitae indicates that this missense variant is not expected to disrupt BRCA2 protein function with a negative predictive value of 95%. In summary, the available evidence is currently insufficient to determine the role of this variant in disease. Therefore, it has been classified as a Variant of Uncertain Significance.

University of Washington Department of Laboratory Medicine, University of Washington
Classification: Likely benign for Hereditary cancer-predisposing syndrome. Last evaluated: 2023-03-23. Review status: criteria provided, single submitter. Criteria: Dines et al. (Genet Med. 2020). Collection method: curation. Allele origin: germline.
Comment: Missense variant in a coldspot region where missense variants are very unlikely to be pathogenic (PMID:31911673).

BRCA2 exon 10 coldspot. Reclassification based on statistical prior probability.

Institute for Clinical Genetics, University Hospital TU Dresden, University Hospital TU Dresden
Classification: Uncertain significance. Last evaluated: 2021-11-03. Review status: criteria provided, single submitter. Criteria: ACMG Guidelines, 2015. Collection method: clinical testing. Allele origin: germline.

Color Diagnostics, LLC DBA Color Health
Classification: Uncertain significance for Hereditary cancer-predisposing syndrome. Last evaluated: 2021-01-19. Review status: criteria provided, single submitter. Criteria: ACMG Guidelines, 2015. Collection method: clinical testing. Allele origin: germline.
Comment: This missense variant replaces lysine with glutamic acid at codon 345 of the BRCA2 protein. Computational prediction suggests that this variant may not impact protein structure and function (internally defined REVEL score threshold <= 0.5, PMID: 27666373). To our knowledge, functional studies have not been reported for this variant. This variant has been reported in individuals affected with breast cancer (PMID: 20104584). This variant has been identified in 1/248544 chromosomes in the general population by the Genome Aggregation Database (gnomAD). The available evidence is insufficient to determine the role of this variant in disease conclusively. Therefore, this variant is classified as a Variant of Uncertain Significance.

Breast Cancer Information Core (BIC) (BRCA2)
Classification: Uncertain significance for Breast-ovarian cancer, familial 2. Last evaluated: 2002-06-20. Review status: no assertion criteria provided. Collection method: clinical testing. Allele origin: germline. Affected: yes. Observed: 1 variant allele. Not counted in ClinVar's aggregate classification.

Literature cited by the submitters: PubMed 20104584 (cited by Ambry Genetics and Labcorp Genetics (formerly Invitae), Labcorp); PubMed 30287823 (cited by Ambry Genetics and Labcorp Genetics (formerly Invitae), Labcorp).

NM_000059.4(BRCA2):c.1033A>G (p.Lys345Glu)

Gene: BRCA2 (BRCA2 DNA repair associated; plus strand). Cytogenetic location: 13q13.1.
Variant type: single nucleotide variant.
Coding change: c.1033A>G on transcript NM_000059.4 (MANE Select); coding-DNA position 1033, A replaced by G.
Protein change: p.Lys345Glu; replaces lysine 345 with glutamic acid.
Molecular consequence: missense variant.
Genome position (GRCh38, 1-based): chr13:32,332,511, A>G. VCF-style: chr13-32332511-A-G. GRCh37 (hg19) VCF-style: chr13-32906648-A-G.
Other names: short protein forms K345E.
Identifiers: ClinVar variation 51059 (VCV000051059.21), dbSNP rs80358406, ClinGen allele CA010607.